The following is an entry in ClinVar:

NM_001372.4(DNAH9):c.1297T>C (p.Ser433Pro)

Gene: DNAH9 (dynein axonemal heavy chain 9; plus strand). Cytogenetic location: 17p12.
Variant type: single nucleotide variant.
Coding change: c.1297T>C on transcript NM_001372.4 (MANE Select); coding-DNA position 1297, T replaced by C.
Protein change: p.Ser433Pro; replaces serine 433 with proline.
Molecular consequence: missense variant.
Genome position (GRCh38, 1-based): chr17:11,619,728, T>C. VCF-style: chr17-11619728-T-C. GRCh37 (hg19) VCF-style: chr17-11523045-T-C.
Other names: c.1297T>C (NM_001372.3); short protein forms S433P.
Identifiers: ClinVar variation 2342852 (VCV002342852.7), dbSNP rs140185825, ClinGen allele CA8394793.
Genomic context (GRCh38, chr17:11,619,728, plus strand): 5'-GAGAATCTCCACACTTACTTCAAAGAGAACCAGGAAGTCAAGGAATGGGATTTCCAGTCT[T>C]CTTTGGTCTTTGTGCGATTGGATGGCTTCCTGGGACAACTGCACGTGGTGGAGGTGAGTG-3'
Protein context (NP_001363.2, residues 423-443): QEVKEWDFQS[Ser433Pro]LVFVRLDGFL

ClinVar aggregate classification (germline): Uncertain significance. Review status: criteria provided, multiple submitters, no conflicts (2 of 4 stars). 2 submissions from 2 submitters: Uncertain significance (2). Last evaluated 2024-12-16.

Conditions:
Inborn genetic diseases. Identifiers: MedGen C0950123, MeSH D030342.

Allele frequency attached by ClinVar (database versions not stated): gnomAD exomes 0.00001; ExAC 0.00003; gnomAD 0.00005; TOPMed 0.00005; ESP Exome Variant Server 0.00023.
gnomAD v4.1: 19 of 1,613,966 alleles (0.0012%); highest among the groups gnomAD compares: African/African-American, 0.023%; no homozygotes.

Submissions (2):

Labcorp Genetics (formerly Invitae), Labcorp
Classification: Uncertain significance. Last evaluated: 2024-12-16. Review status: criteria provided, single submitter. Criteria: Invitae Variant Classification Sherloc (09022015). Collection method: clinical testing. Allele origin: germline.
Comment: This sequence change replaces serine, which is neutral and polar, with proline, which is neutral and non-polar, at codon 433 of the DNAH9 protein (p.Ser433Pro). This variant is present in population databases (rs140185825, gnomAD 0.03%). This variant has not been reported in the literature in individuals affected with DNAH9-related conditions. ClinVar contains an entry for this variant (Variation ID: 2342852). An algorithm developed to predict the effect of missense changes on protein structure and function (PolyPhen-2) suggests that this variant is likely to be tolerated. In summary, the available evidence is currently insufficient to determine the role of this variant in disease. Therefore, it has been classified as a Variant of Uncertain Significance.

Ambry Genetics
Classification: Uncertain significance for Inborn genetic diseases. Last evaluated: 2021-07-06. Review status: criteria provided, single submitter. Criteria: Ambry Variant Classification Scheme 2023. Collection method: clinical testing. Allele origin: germline.